The following is an entry in ClinVar:

ClinVar aggregate classification (germline): Pathogenic. Review status: criteria provided, multiple submitters, no conflicts (2 of 4 stars). 2 submissions from 2 submitters: Pathogenic (2). Last evaluated 2023-06-30.

Conditions:
Myopathy with abnormal lipid metabolism. Also called: Lipid storage myopathy due to flavin adenine dinucleotide synthetase deficiency. Identifiers: MedGen C4310822, MONDO:0009703, OMIM 255100.

gnomAD v4.1: 6 of 1,614,234 alleles (0.00037%); highest among the groups gnomAD compares: African/African-American, 0.0013%; no homozygotes.

Submissions (2):

Department of Pathology and Laboratory Medicine, Sinai Health System
Classification: Pathogenic for Myopathy with abnormal lipid metabolism. Last evaluated: 2023-06-30. Review status: criteria provided, single submitter. Criteria: ACMG Guidelines, 2015. Collection method: research. Allele origin: germline.

Juno Genomics, Hangzhou Juno Genomics, Inc
Classification: Pathogenic for Myopathy with abnormal lipid metabolism. Review status: criteria provided, single submitter. Criteria: ACMG Guidelines, 2015. Collection method: clinical testing. Allele origin: germline. Affected: yes.
Comment: Absent from controls (or at extremely low frequency if recessive) in Genome Aggregation Database, Exome Sequencing Project, 1000 Genomes Project, or Exome Aggregation Consortium.;Null variant in a gene where loss of function (LOF) is a known mechanism of disease.;For recessive disorders, detected in trans with a pathogenic variant.

NM_025207.5(FLAD1):c.442C>T (p.Arg148Ter)

Gene: FLAD1 (flavin adenine dinucleotide synthetase 1; plus strand). Cytogenetic location: 1q21.3.
Variant type: single nucleotide variant.
Coding change: c.442C>T on transcript NM_025207.5 (MANE Select); coding-DNA position 442, C replaced by T.
Protein change: p.Arg148Ter; replaces arginine 148 with a stop codon.
Molecular consequence: nonsense.
Genome position (GRCh38, 1-based): chr1:154,988,174, C>T. VCF-style: chr1-154988174-C-T. GRCh37 (hg19) VCF-style: chr1-154960650-C-T.
Other names: c.151C>T, p.Arg51Ter (NM_001184891.2, NM_201398.3); c.145C>T, p.Arg49Ter (NM_001184892.2); short protein forms R148*, R49*, R51*.
Identifiers: ClinVar variation 3382319 (VCV003382319.3).